The following is an entry in ClinVar:

NM_004656.4(BAP1):c.784-8G>A

Gene: BAP1 (BRCA1 associated deubiquitinase 1; minus strand). Cytogenetic location: 3p21.1.
Variant type: single nucleotide variant.
Coding change: c.784-8G>A on transcript NM_004656.4 (MANE Select); 8 bases into the intron before coding-DNA position 784, G replaced by A.
Molecular consequence: intron variant.
Genome position (GRCh38, 1-based): chr3:52,405,920, C>T on the plus strand (G>A on the coding strand, the complement: BAP1 is on the minus strand). VCF-style: chr3-52405920-C-T. GRCh37 (hg19) VCF-style: chr3-52439936-C-T.
Identifiers: ClinVar variation 922562 (VCV000922562.14), dbSNP rs1433680539, ClinGen allele CA542898729.

ClinVar aggregate classification (germline): Conflicting classifications of pathogenicity. Review status: criteria provided, conflicting classifications (1 of 4 stars). 4 submissions from 4 submitters: Uncertain significance (1); Likely benign (3). Last evaluated 2024-07-15.

Conditions:
Hereditary cancer-predisposing syndrome. Also called: Tumor predisposition; Neoplastic Syndromes, Hereditary; Hereditary neoplastic syndrome; Hereditary Cancer Syndrome. Identifiers: Orphanet 140162, MedGen C0027672, MeSH D009386, MONDO:0015356.
BAP1-related tumor predisposition syndrome (TPDS1). Also called: COMMON Syndrome; TUMOR PREDISPOSITION SYNDROME 1; Tumor susceptibility linked to germline BAP1 mutations; BAP1 tumor predisposition syndrome. Identifiers: Orphanet 289539, MedGen C3280492, MONDO:0013692, OMIM 614327.

Allele frequency attached by ClinVar (database versions not stated): gnomAD exomes below 0.00001; TOPMed 0.00001.
gnomAD v4.1: 2 of 1,613,980 alleles (0.00012%); highest among the groups gnomAD compares: Non-Finnish European, 0.00017%; no homozygotes.

Submissions (4):

Myriad Genetics, Inc.
Classification: Likely benign for BAP1-related tumor predisposition syndrome. Last evaluated: 2024-07-15. Review status: criteria provided, single submitter. Criteria: Myriad Autosomal Dominant, Autosomal Recessive and X-Linked Classification Criteria (2023). Collection method: clinical testing. Allele origin: unknown.
Comment: This variant is considered likely benign. This variant is intronic and is not expected to impact mRNA splicing.

Labcorp Genetics (formerly Invitae), Labcorp
Classification: Likely benign for BAP1-related tumor predisposition syndrome. Last evaluated: 2024-04-29. Review status: criteria provided, single submitter. Criteria: Invitae Variant Classification Sherloc (09022015). Collection method: clinical testing. Allele origin: germline.

Color Diagnostics, LLC DBA Color Health
Classification: Likely benign for Hereditary cancer-predisposing syndrome. Last evaluated: 2022-07-11. Review status: criteria provided, single submitter. Criteria: ACMG Guidelines, 2015. Collection method: clinical testing. Allele origin: germline.

Blueprint Genetics
Classification: Uncertain significance. Last evaluated: 2022-05-16. Review status: criteria provided, single submitter. Criteria: ACMG Guidelines, 2015. Collection method: clinical testing. Allele origin: germline.